The following is an entry in ClinVar:

NM_001365536.1(SCN9A):c.228G>A (p.Glu76=)

Gene: SCN9A (sodium voltage-gated channel alpha subunit 9; minus strand). Cytogenetic location: 2q24.3.
Variant type: single nucleotide variant.
Coding change: c.228G>A on transcript NM_001365536.1 (MANE Select); coding-DNA position 228, G replaced by A.
Protein change: p.Glu76=; no amino-acid change (glutamic acid 76 retained).
Molecular consequence: synonymous variant.
Genome position (GRCh38, 1-based): chr2:166,311,529, C>T on the plus strand (G>A on the coding strand, the complement: SCN9A is on the minus strand). VCF-style: chr2-166311529-C-T. GRCh37 (hg19) VCF-style: chr2-167168039-C-T.
Other names: c.228G>A, p.Glu76= (NM_002977.4).
Identifiers: ClinVar variation 698241 (VCV000698241.12), dbSNP rs545277826, ClinGen allele CA1944865.

ClinVar aggregate classification (germline): Likely benign. Review status: criteria provided, multiple submitters, no conflicts (2 of 4 stars). 2 submissions from 2 submitters: Likely benign (2). Last evaluated 2026-02-01.

Conditions:
Neuropathy, hereditary sensory and autonomic, type 2A (HSAN2A). Also called: WNK1-Related HSAN2 (HSAN2A); ACROOSTEOLYSIS, GIACCAI TYPE; ACROOSTEOLYSIS, NEUROGENIC; MORVAN DISEASE; NEUROPATHY, CONGENITAL SENSORY; NEUROPATHY, HEREDITARY SENSORY RADICULAR, AUTOSOMAL RECESSIVE. Identifiers: Orphanet 970, MedGen C2752089, MONDO:0024309, OMIM 201300.
Generalized epilepsy with febrile seizures plus, type 7 (GEFSP7). Also called: GEFS+, TYPE 7. Identifiers: Orphanet 36387, MedGen C2751778, MONDO:0013470, OMIM 613863.
SCN9A-related disorder. Also called: SCN9A-related disorders; SCN9A-related condition.

Allele frequency attached by ClinVar (database versions not stated): ExAC 0.00001; gnomAD exomes 0.00001 and 0.00002; gnomAD 0.00002 and 0.00003; TOPMed 0.00003; 1000 Genomes Project 30x 0.00016; 1000 Genomes Project 0.00020.
gnomAD v4.1: 30 of 1,611,108 alleles (0.0019%); highest among the groups gnomAD compares: Admixed American, 0.0033%; no homozygotes.

Submissions (2):

PreventionGenetics, part of Exact Sciences
Classification: Likely benign for SCN9A-related condition. Last evaluated: 2026-02-01. Review status: criteria provided, single submitter. Criteria: ACMG Guidelines, 2015. Collection method: clinical testing. Allele origin: germline.
Comment: This variant is classified as likely benign based on ACMG/AMP sequence variant interpretation guidelines (Richards et al. 2015 PMID: 25741868, with internal and published modifications).

Labcorp Genetics (formerly Invitae), Labcorp
Classification: Likely benign for Neuropathy, hereditary sensory and autonomic, type 2A; Generalized epilepsy with febrile seizures plus, type 7. Last evaluated: 2025-05-13. Review status: criteria provided, single submitter. Criteria: Invitae Variant Classification Sherloc (09022015). Collection method: clinical testing. Allele origin: germline.